The following is an entry in ClinVar:

NM_000238.4(KCNH2):c.106del (p.Val36fs)

Gene: KCNH2 (potassium voltage-gated channel subfamily H member 2; minus strand). Cytogenetic location: 7q36.1.
Variant type: Deletion.
Coding change: c.106del on transcript NM_000238.4 (MANE Select); coding-DNA position 106, one base deleted (G; older notation c.106delG).
Protein change: p.Val36fs; shifts the reading frame from valine 36.
Molecular consequence: frameshift variant.
Genome position (GRCh38, 1-based): chr7:150,974,912, C deleted on the plus strand (G on the coding strand, the reverse complement: KCNH2 is on the minus strand); the first of 3 consecutive C bases (chr7:150,974,912-150,974,914); deleting any one gives the same sequence. VCF-style (leftmost placement, unchanged base first): chr7-150974911-AC-A. GRCh37 (hg19) VCF-style: chr7-150671999-AC-A.
Other names: c.-74delG (NM_001406755.1); c.104delG, p.Val36Trpfs (NM_172056.3); short protein forms V36fs.
Identifiers: ClinVar variation 200807 (VCV000200807.4), dbSNP rs794728507, ClinGen allele CA004203.
Genomic context (GRCh38, chr7:150,974,911, plus strand): 5'-CGCGAGTAGCCGCACAGCTCGCAGAAGCCGTCGTTGCAGTAGATGACGGCGCAGTTCTCC[AC>A]CCGAGCGTTGGCGATGATGAACTTACGGCCTAGGGGGGCGGGGAGGAGAGTGCGCGTGAG-3'

ClinVar aggregate classification (germline): Pathogenic (1 of 4 stars; one submission).

Conditions:
Cardiac arrhythmia. Also called: Arrhythmia; Cardiac rhythm disease. Identifiers: MedGen C0003811, MONDO:0007263, HP:0011675.

Submission:

GeneDx
Classification: Pathogenic for Cardiac arrhythmia. Last evaluated: 2011-10-20. Review status: criteria provided, single submitter. Criteria: GeneDx Variant Classification (06012015). Collection method: clinical testing. Allele origin: germline. Affected: yes.
Comment: The c.106delG mutation in the KCNH2 gene has not been reported previously, this mutation causes a shift in reading frame starting at codon Valine 36, changing it to a Tryptophan, and creates a premature stop codon at position 24 of the new reading frame, denoted p.Val36TrpfsX24. This mutation is expected to result in an abnormal, truncated protein or in absence of protein from this allele due to mRNA decay. Other frameshift mutations have been reported previously in association with LQTS. The variant is found in LQT panel(s).